The following is an entry in ClinVar:

NM_000030.3:c.1_595del

Gene: AGXT (alanine--glyoxylate aminotransferase; plus strand).
Variant type: Deletion.
Other names: c.1_595del (NM_000030.3).
Identifiers: ClinVar variation 4526855 (VCV004526855.1).

ClinVar aggregate classification (germline): Pathogenic (1 of 4 stars; one submission).

Conditions:
Primary hyperoxaluria, type I (HP1). Also called: GLYCOLIC ACIDURIA; HEPATIC AGT DEFICIENCY; OXALOSIS I; Primary hyperoxaluria type 1. Identifiers: Orphanet 416, Orphanet 93598, MedGen C0268164, MONDO:0009823, OMIM 259900. Disease mechanism: loss of function.

Submission:

Rare Kidney Stone Consortium and the Mayo Clinic Hyperoxaluria Center, Mayo Clinic
Classification: Pathogenic for Primary hyperoxaluria, type I. Last evaluated: 2025-10-03. Review status: criteria provided, single submitter. Criteria: ACMG Guidelines, 2015. Collection method: research. Allele origin: germline. Affected: yes. Observed: 1 variant allele.
Comment: ACMG:PVS1, PM2, PM4, PM6, PP4

Literature cited by the submitters: PubMed 11708860; PubMed 40794449.